The following is an entry in ClinVar:

NM_001276700.2(NLRP6):c.311-15C>A

Gene: NLRP6 (NLR family pyrin domain containing 6; plus strand). Cytogenetic location: 11p15.5.
Variant type: single nucleotide variant.
Coding change: c.311-15C>A on transcript NM_001276700.2 (MANE Select); 15 bases into the intron before coding-DNA position 311, C replaced by A.
Molecular consequence: intron variant.
Genome position (GRCh38, 1-based): chr11:279,819, C>A. VCF-style: chr11-279819-C-A. GRCh37 (hg19) VCF-style: chr11-279819-C-A.
Other names: c.311-15C>A (NM_138329.2).
Identifiers: ClinVar variation 103251 (VCV000103251.2), dbSNP rs199475799, ClinGen allele CA230317.
Genomic context (GRCh38, chr11:279,819, plus strand): 5'-AGGGTGACTCGGACCCCCGTGGCGCCTTCCCCTGTTCCCGCCCTCGGCGGAACCTCACCC[C>A]AGTTTCCCTTCCAGGGCTCGGGCTCGGCTCCGGGACGCTGCTCTCCGTGTCCGGTGGGTC-3'

ClinVar aggregate classification (germline): not provided (0 of 4 stars; one submission).

Allele frequency attached by ClinVar (database versions not stated): gnomAD exomes 0.00019; ExAC 0.00027; 1000 Genomes Project 30x 0.00078; 1000 Genomes Project 0.00080; gnomAD 0.00084 and 0.00088; ESP Exome Variant Server 0.00100; TOPMed 0.00103.
gnomAD v4.1: 241 of 1,585,944 alleles (0.015%); highest among the groups gnomAD compares: African/African-American, 0.27%; 1 homozygote.

Submission:

Human Evolutionary Genetics, Institut Pasteur
No classification provided. Review status: no classification provided. Collection method: not provided. Allele origin: germline.
ClinVar note: Converted during submission from untested to not provided.